The following is an entry in ClinVar:

ClinVar aggregate classification (germline): Likely benign (1 of 4 stars; one submission).

Submission:

CeGaT Center for Human Genetics Tuebingen
Classification: Likely benign. Last evaluated: 2024-11-01. Review status: criteria provided, single submitter. Criteria: CeGaT Center For Human Genetics Tuebingen Variant Classification Criteria Version 2. Collection method: clinical testing. Allele origin: germline. Affected: yes. Observed: 1 variant allele.
Comment: NRBF2: PM2:Supporting, BP4, BP7

NM_030759.5(NRBF2):c.333C>T (p.Gly111=)

Gene: NRBF2 (nuclear receptor binding factor 2; plus strand). Cytogenetic location: 10q21.3.
Variant type: single nucleotide variant.
Coding change: c.333C>T on transcript NM_030759.5 (MANE Select); coding-DNA position 333, C replaced by T.
Protein change: p.Gly111=; no amino-acid change (glycine 111 retained).
Molecular consequence: synonymous variant.
Genome position (GRCh38, 1-based): chr10:63,153,687, C>T. VCF-style: chr10-63153687-C-T. GRCh37 (hg19) VCF-style: chr10-64913447-C-T.
Other names: c.303C>T, p.Gly101= (NM_001282405.2).
Identifiers: ClinVar variation 3388924 (VCV003388924.14).
Genomic context (GRCh38, chr10:63,153,687, plus strand): 5'-CAAGGATGCAGCTGCCCATCTTCAGACATCTCACAAACCCTCTGCAGAGGATGCAGAGGG[C>T]CAGAGTCCCCTTTCTCAGAAGTACAGCCCTTCCACAGAGAAATGCCTGCCTGAGATTCAG-3'
Protein context (NP_110386.2, residues 101-121): SHKPSAEDAE[Gly111=]QSPLSQKYSP